The following is an entry in ClinVar:

ClinVar aggregate classification (germline): Pathogenic (1 of 4 stars; one submission).

Submission:

Quest Diagnostics Nichols Institute San Juan Capistrano
Classification: Pathogenic. Last evaluated: 2022-07-22. Review status: criteria provided, single submitter. Criteria: ACMG/ClinGen CNV Guidelines, 2019. Collection method: clinical testing. Allele origin: unknown.
Comment: The copy number loss of Xp21.1 involves multiple exons (exons 48-49, NM_004006.3) of an intragenic portion of DMD (OMIM 300377), which does not result in a reading frame shift. Heterozygous sequence variants as well as intragenic deletions of DMD are associated with both X-linked Duchenne muscular dystrophy (DMD; OMIM 310200), and with Becker muscular dystrophy (BMD; OMIM 300376, Kole 2015, Lim 2020, Ling 2020, Papa 2016, Lim 2020). Although there are similar losses of this region in the general populations of DGV, lack of information on the zygosity and sex or carrier status of individuals precludes drawing conclusions from this resource. Thus, based on current medical literature, this copy number variant (CNV) is classified as pathogenic. References Kole et al., Adv Drug Deliv Rev. 2015 Jun 29;87:104-7. PMID: 25980936 Lim et al., J Pers Med. 2020 Nov 23;10(4):241. PMID: 33238405 Ling et al., Hum Mutat. 2020 Mar;41(3):668-677. PMID: 31705731 Papa et al., Pediatr Neurol. 2016 Feb;55:58-63. PMID: 26718981

GRCh37/hg19 Xp21.1(chrX:31844448-31936656)x0

Gene: DMD (dystrophin; minus strand). Cytogenetic location: Xp21.1.
Variant type: copy number loss.
Change: copy number 0 of chrX:31,844,448-31,936,656 (92.2 kb, GRCh37 coordinates, 1-based), cytogenetic band Xp21.1.
Identifiers: ClinVar variation 2684508 (VCV002684508.1).